The following is an entry in ClinVar:

ClinVar aggregate classification (germline): Uncertain significance (0 of 4 stars; one submission).

Conditions:
PCSK5-related disorder. Also called: PCSK5-related condition.

Allele frequency attached by ClinVar (database versions not stated): gnomAD 0.00001; gnomAD exomes 0.00002; ExAC 0.00008; 1000 Genomes Project 30x 0.00016; 1000 Genomes Project 0.00020.
gnomAD v4.1: 32 of 1,605,888 alleles (0.002%); highest among the groups gnomAD compares: South Asian, 0.034%; no homozygotes.

Submission:

PreventionGenetics, part of Exact Sciences
Classification: Uncertain significance for PCSK5-related condition. Last evaluated: 2024-01-12. Review status: no assertion criteria provided. Collection method: clinical testing. Allele origin: germline.
Comment: The PCSK5 c.4019A>T variant is predicted to result in the amino acid substitution p.Lys1340Ile. To our knowledge, this variant has not been reported in the literature. This variant is reported in 0.050% of alleles in individuals of South Asian descent in gnomAD. At this time, the clinical significance of this variant is uncertain due to the absence of conclusive functional and genetic evidence.

NM_001372043.1(PCSK5):c.4100A>T (p.Lys1367Ile)

Gene: PCSK5 (proprotein convertase subtilisin/kexin type 5; plus strand). Cytogenetic location: 9q21.13.
Variant type: single nucleotide variant.
Coding change: c.4100A>T on transcript NM_001372043.1 (MANE Select); coding-DNA position 4100, A replaced by T.
Protein change: p.Lys1367Ile; replaces lysine 1367 with isoleucine.
Molecular consequence: missense variant.
Genome position (GRCh38, 1-based): chr9:76,321,637, A>T. VCF-style: chr9-76321637-A-T. GRCh37 (hg19) VCF-style: chr9-78936553-A-T.
Other names: c.4019A>T, p.Lys1340Ile (NM_001190482.2); short protein forms K1340I, K1367I.
Identifiers: ClinVar variation 3037081 (VCV003037081.2), dbSNP rs574993741, ClinGen allele CA5087769.